The following is an entry in ClinVar:

NM_001105206.3(LAMA4):c.4715T>G (p.Leu1572Arg)

Gene: LAMA4 (laminin subunit alpha 4; minus strand). Cytogenetic location: 6q21.
Variant type: single nucleotide variant.
Coding change: c.4715T>G on transcript NM_001105206.3 (MANE Select); coding-DNA position 4715, T replaced by G.
Protein change: p.Leu1572Arg; replaces leucine 1572 with arginine.
Molecular consequence: missense variant.
Genome position (GRCh38, 1-based): chr6:112,119,262, A>C on the plus strand (T>G on the coding strand, the complement: LAMA4 is on the minus strand). VCF-style: chr6-112119262-A-C. GRCh37 (hg19) VCF-style: chr6-112440465-A-C.
Other names: c.4694T>G, p.Leu1565Arg (NM_001105207.3, NM_002290.5); short protein forms L1572R, L1565R.
Identifiers: ClinVar variation 967883 (VCV000967883.14), dbSNP rs782367093, ClinGen allele CA3964920.

ClinVar aggregate classification (germline): Conflicting classifications of pathogenicity. Review status: criteria provided, conflicting classifications (1 of 4 stars). 5 submissions from 5 submitters: Uncertain significance (4); Likely benign (1). Last evaluated 2026-05-18.

Conditions:
Dilated cardiomyopathy 1JJ (CMD1JJ). Identifiers: Orphanet 154, MedGen C3808935, MONDO:0014095, OMIM 615235.
Cardiovascular phenotype. Identifiers: MedGen CN230736.

Allele frequency attached by ClinVar (database versions not stated): gnomAD 0.00007 and 0.00008; ExAC 0.00004; TOPMed 0.00011; gnomAD exomes 0.00011 and 0.00004.
gnomAD v4.1: 168 of 1,613,950 alleles (0.01%); highest among the groups gnomAD compares: Non-Finnish European, 0.013%; no homozygotes.

Submissions (5):

Women's Health and Genetics/Laboratory Corporation of America, LabCorp
Classification: Likely benign. Last evaluated: 2026-05-18. Review status: criteria provided, single submitter. Criteria: LabCorp Variant Classification Summary - May 2015. Collection method: clinical testing. Allele origin: germline.

Labcorp Genetics (formerly Invitae), Labcorp
Classification: Uncertain significance for Dilated cardiomyopathy 1JJ. Last evaluated: 2025-09-16. Review status: criteria provided, single submitter. Criteria: Invitae Variant Classification Sherloc (09022015). Collection method: clinical testing. Allele origin: germline.
Comment: This sequence change replaces leucine, which is neutral and non-polar, with arginine, which is basic and polar, at codon 1565 of the LAMA4 protein (p.Leu1565Arg). This variant is present in population databases (rs782367093, gnomAD 0.009%). This variant has not been reported in the literature in individuals affected with LAMA4-related conditions. ClinVar contains an entry for this variant (Variation ID: 967883). Invitae Evidence Modeling of protein sequence and biophysical properties (such as structural, functional, and spatial information, amino acid conservation, physicochemical variation, residue mobility, and thermodynamic stability) indicates that this missense variant is not expected to disrupt LAMA4 protein function with a negative predictive value of 80%. In summary, the available evidence is currently insufficient to determine the role of this variant in disease. Therefore, it has been classified as a Variant of Uncertain Significance.

GeneDx
Classification: Uncertain significance. Last evaluated: 2025-07-16. Review status: criteria provided, single submitter. Criteria: GeneDx Variant Classification Process June 2021. Collection method: clinical testing. Allele origin: germline. Affected: yes.
Comment: In silico analysis supports that this missense variant has a deleterious effect on protein structure/function; Has not been previously published as pathogenic or benign to our knowledge

Ambry Genetics
Classification: Uncertain significance for Cardiovascular phenotype. Last evaluated: 2024-08-12. Review status: criteria provided, single submitter. Criteria: Ambry Variant Classification Scheme 2023. Collection method: clinical testing. Allele origin: germline.
Comment: The p.L1565R variant (also known as c.4694T>G), located in coding exon 33 of the LAMA4 gene, results from a T to G substitution at nucleotide position 4694. The leucine at codon 1565 is replaced by arginine, an amino acid with dissimilar properties. This amino acid position is highly conserved in available vertebrate species. In addition, this alteration is predicted to be deleterious by in silico analysis. Since supporting evidence is limited at this time, the clinical significance of this alteration remains unclear.

Fulgent Genetics
Classification: Uncertain significance for Dilated cardiomyopathy 1JJ. Last evaluated: 2021-08-20. Review status: criteria provided, single submitter. Criteria: ACMG Guidelines, 2015. Collection method: clinical testing. Allele origin: unknown.